The following is an entry in ClinVar:

ClinVar aggregate classification (germline): Uncertain significance. Review status: criteria provided, single submitter (1 of 4 stars). 2 submissions from 2 submitters: Uncertain significance (1). 1 of the submissions does not count toward it. Last evaluated 2021-12-07.

Conditions:
MLH3-related disorder. Also called: MLH3-related condition.
Colorectal cancer, hereditary nonpolyposis, type 7. Identifiers: Orphanet 144, MedGen C1858380, MONDO:0013725, OMIM 614385.

gnomAD v4.1: 2 of 1,610,948 alleles (0.00012%); highest among the groups gnomAD compares: Non-Finnish European, 0.000085%; no homozygotes.

Submissions (2):

Labcorp Genetics (formerly Invitae), Labcorp
Classification: Uncertain significance for Colorectal cancer, hereditary nonpolyposis, type 7. Last evaluated: 2021-12-07. Review status: criteria provided, single submitter. Criteria: Invitae Variant Classification Sherloc (09022015). Collection method: clinical testing. Allele origin: germline.
Comment: This sequence change replaces valine, which is neutral and non-polar, with isoleucine, which is neutral and non-polar, at codon 1195 of the MLH3 protein (p.Val1195Ile). This variant is not present in population databases (gnomAD no frequency). This variant has not been reported in the literature in individuals affected with MLH3-related conditions. ClinVar contains an entry for this variant (Variation ID: 849986). Algorithms developed to predict the effect of missense changes on protein structure and function (SIFT, PolyPhen-2, Align-GVGD) all suggest that this variant is likely to be disruptive. In summary, the available evidence is currently insufficient to determine the role of this variant in disease. Therefore, it has been classified as a Variant of Uncertain Significance.

PreventionGenetics, part of Exact Sciences
Classification: Uncertain significance for MLH3-related condition. Last evaluated: 2024-07-17. Review status: no assertion criteria provided. Collection method: clinical testing. Allele origin: germline. Not counted in ClinVar's aggregate classification.
Comment: The MLH3 c.3583G>A variant is predicted to result in the amino acid substitution p.Val1195Ile. To our knowledge, this variant has not been reported in the literature or in gnomAD, indicating this variant is rare. This variant is classified as a variant of uncertain significance in ClinVar. At this time, the clinical significance of this variant is uncertain due to the absence of conclusive functional and genetic evidence.

NM_001040108.2(MLH3):c.3583G>A (p.Val1195Ile)

Gene: MLH3 (mutL homolog 3; minus strand). Cytogenetic location: 14q24.3.
Variant type: single nucleotide variant.
Coding change: c.3583G>A on transcript NM_001040108.2 (MANE Select); coding-DNA position 3583, G replaced by A.
Protein change: p.Val1195Ile; replaces valine 1195 with isoleucine.
Molecular consequence: missense variant.
Genome position (GRCh38, 1-based): chr14:75,038,400, C>T on the plus strand (G>A on the coding strand, the complement: MLH3 is on the minus strand). VCF-style: chr14-75038400-C-T. GRCh37 (hg19) VCF-style: chr14-75505103-C-T.
Other names: c.3583G>A, p.Val1195Ile (NM_014381.3); short protein forms V1195I.
Identifiers: ClinVar variation 849986 (VCV000849986.8), dbSNP rs1891570676, ClinGen allele CA390427272.